The following is an entry in ClinVar:

NM_005751.5(AKAP9):c.6067G>A (p.Val2023Met)

Gene: AKAP9 (A-kinase anchoring protein 9; plus strand). Cytogenetic location: 7q21.2.
Variant type: single nucleotide variant.
Coding change: c.6067G>A on transcript NM_005751.5 (MANE Select); coding-DNA position 6067, G replaced by A.
Protein change: p.Val2023Met; replaces valine 2023 with methionine.
Molecular consequence: missense variant.
Genome position (GRCh38, 1-based): chr7:92,065,320, G>A. VCF-style: chr7-92065320-G-A. GRCh37 (hg19) VCF-style: chr7-91694634-G-A.
Other names: c.712G>A, p.Val238Met (NM_001379277.1); c.6067G>A, p.Val2023Met (NM_147185.3); short protein forms V2023M, V238M.
Identifiers: ClinVar variation 2011776 (VCV002011776.4), dbSNP rs2535203828, ClinGen allele CA368132511.

ClinVar aggregate classification (germline): Uncertain significance (1 of 4 stars; one submission).

Conditions:
Long QT syndrome (LQTS). Identifiers: MedGen C0023976, MeSH D008133, MONDO:0002442. Disease mechanism: loss of function. Inheritance: Various modes of inheritance.

Allele frequency attached by ClinVar (database versions not stated): gnomAD exomes 0.00001.
gnomAD v4.1: 6 of 1,613,146 alleles (0.00037%); highest among the groups gnomAD compares: African/African-American, 0.0013%; no homozygotes.

Submission:

Labcorp Genetics (formerly Invitae), Labcorp
Classification: Uncertain significance for Long QT syndrome. Last evaluated: 2022-06-28. Review status: criteria provided, single submitter. Criteria: Invitae Variant Classification Sherloc (09022015). Collection method: clinical testing. Allele origin: germline.
Comment: In summary, the available evidence is currently insufficient to determine the role of this variant in disease. Therefore, it has been classified as a Variant of Uncertain Significance. Algorithms developed to predict the effect of missense changes on protein structure and function are either unavailable or do not agree on the potential impact of this missense change (SIFT: "Deleterious"; PolyPhen-2: "Possibly Damaging"; Align-GVGD: "Class C0"). This variant has not been reported in the literature in individuals affected with AKAP9-related conditions. This variant is not present in population databases (gnomAD no frequency). This sequence change replaces valine, which is neutral and non-polar, with methionine, which is neutral and non-polar, at codon 2023 of the AKAP9 protein (p.Val2023Met).